The following is an entry in ClinVar:

NM_000535.7(PMS2):c.177G>A (p.Lys59=)

Gene: PMS2 (PMS1 homolog 2, mismatch repair system component; minus strand). Cytogenetic location: 7p22.1.
Variant type: single nucleotide variant.
Coding change: c.177G>A on transcript NM_000535.7 (MANE Select); coding-DNA position 177, G replaced by A.
Protein change: p.Lys59=; no amino-acid change (lysine 59 retained).
Molecular consequence: synonymous variant. On other transcripts: 5 prime UTR variant (44), non-coding transcript variant (1), intron variant (1).
Genome position (GRCh38, 1-based): chr7:6,004,045, C>T on the plus strand (G>A on the coding strand, the complement: PMS2 is on the minus strand). VCF-style: chr7-6004045-C-T. GRCh37 (hg19) VCF-style: chr7-6043676-C-T.
Other names: c.-308G>A (NM_001406877.1, NM_001406878.1, NM_001406879.1 and 3 more transcripts); c.-255G>A (NM_001406880.1); c.-205G>A (NM_001406881.1, NM_001406900.1); c.-39G>A (NM_001406883.1, NM_001406901.1, NM_001406902.1 and 4 more transcripts); c.177G>A, p.Lys59= (NM_001406884.1, NM_001406885.1, NM_001406886.1 and 10 more transcripts); c.-229G>A (NM_001406887.1, NM_001406891.1, NM_001406893.1 and 13 more transcripts); c.-176G>A (NM_001406888.1, NM_001406889.1, NM_001406892.1 and 6 more transcripts); c.-219G>A (NM_001406890.1); and 3 more.
Identifiers: ClinVar variation 3903480 (VCV003903480.2).

ClinVar aggregate classification (germline): Benign. Review status: criteria provided, multiple submitters, no conflicts (2 of 4 stars). 2 submissions from 2 submitters: Benign (2). Last evaluated 2025-10-27.

Conditions:
Lynch syndrome 4 (LYNCH4). Also called: Colorectal cancer, hereditary nonpolyposis, type 4; Hereditary non-polyposis colorectal cancer, type 4. Identifiers: Orphanet 144, MedGen C1838333, MONDO:0013699, OMIM 614337. Disease mechanism: loss of function.

Submissions (2):

Women's Health and Genetics/Laboratory Corporation of America, LabCorp
Classification: Benign. Last evaluated: 2025-10-27. Review status: criteria provided, single submitter. Criteria: LabCorp Variant Classification Summary - May 2015. Collection method: clinical testing. Allele origin: germline.
Comment: Variant summary: PMS2 c.177G>A alters a conserved nucleotide resulting in a synonymous change. Consensus agreement among computation tools predict no significant impact on normal splicing. However, these predictions have yet to be confirmed by functional studies. The variant was absent in 250088 control chromosomes. The available data on variant occurrences in the general population are insufficient to allow any conclusion about variant significance. To our knowledge, no occurrence of c.177G>A in individuals affected with PMS2-related conditions and no experimental evidence demonstrating its impact on protein function have been reported. ClinVar contains an entry for this variant (Variation ID: 3903480). Based on the evidence outlined above, the variant was classified as benign.

Myriad Genetics, Inc.
Classification: Benign for Lynch syndrome 4. Last evaluated: 2025-01-23. Review status: criteria provided, single submitter. Criteria: Myriad Autosomal Dominant, Autosomal Recessive and X-Linked Classification Criteria (2023). Collection method: clinical testing. Allele origin: unknown.
Comment: This variant is considered benign. This variant is a silent/synonymous amino acid change and it is not expected to impact splicing.